The following is an entry in ClinVar:

ClinVar aggregate classification (germline): Uncertain significance (1 of 4 stars; one submission).

Allele frequency attached by ClinVar (database versions not stated): gnomAD 0.00005 and 0.00006; 1000 Genomes Project 30x 0.00016.
gnomAD v4.1: 38 of 1,550,336 alleles (0.0025%); highest among the groups gnomAD compares: African/African-American, 0.019%; no homozygotes.

Submission:

Labcorp Genetics (formerly Invitae), Labcorp
Classification: Uncertain significance. Last evaluated: 2022-08-16. Review status: criteria provided, single submitter. Criteria: Invitae Variant Classification Sherloc (09022015). Collection method: clinical testing. Allele origin: germline.
Comment: This sequence change replaces arginine, which is basic and polar, with glutamine, which is neutral and polar, at codon 557 of the PDZD7 protein (p.Arg557Gln). This variant is present in population databases (no rsID available, gnomAD 0.06%). This variant has not been reported in the literature in individuals affected with PDZD7-related conditions. ClinVar contains an entry for this variant (Variation ID: 1053143). Algorithms developed to predict the effect of missense changes on protein structure and function are either unavailable or do not agree on the potential impact of this missense change (SIFT: "Deleterious"; PolyPhen-2: "Not Available"; Align-GVGD: "Class C0"). In summary, the available evidence is currently insufficient to determine the role of this variant in disease. Therefore, it has been classified as a Variant of Uncertain Significance.

NM_001195263.2(PDZD7):c.1670G>A (p.Arg557Gln)

Gene: PDZD7 (PDZ domain containing 7; minus strand). Cytogenetic location: 10q24.31.
Variant type: single nucleotide variant.
Coding change: c.1670G>A on transcript NM_001195263.2 (MANE Select); coding-DNA position 1670, G replaced by A.
Protein change: p.Arg557Gln; replaces arginine 557 with glutamine.
Molecular consequence: missense variant.
Genome position (GRCh38, 1-based): chr10:101,015,715, C>T on the plus strand (G>A on the coding strand, the complement: PDZD7 is on the minus strand). VCF-style: chr10-101015715-C-T. GRCh37 (hg19) VCF-style: chr10-102775472-C-T.
Other names: short protein forms R557Q.
Identifiers: ClinVar variation 1053143 (VCV001053143.7), dbSNP rs866781150, ClinGen allele CA212981950.